The following is an entry in ClinVar:

NM_001042492.3(NF1):c.4724+6G>A

Gene: NF1 (neurofibromin 1; plus strand). Cytogenetic location: 17q11.2.
Variant type: single nucleotide variant.
Coding change: c.4724+6G>A on transcript NM_001042492.3 (MANE Select); 6 bases into the intron after coding-DNA position 4724, G replaced by A.
Molecular consequence: intron variant.
Genome position (GRCh38, 1-based): chr17:31,261,863, G>A. VCF-style: chr17-31261863-G-A. GRCh37 (hg19) VCF-style: chr17-29588881-G-A.
Other names: c.4661+6G>A (NM_000267.4).
Identifiers: ClinVar variation 844384 (VCV000844384.6), dbSNP rs2067692408, ClinGen allele CA916080607.
Genomic context (GRCh38, chr17:31,261,863, plus strand): 5'-CACACTGGTCCAGCCTTAACCTTACCAGTTCAAAGTTTGAGGAATTTATGACTAGGTAAA[G>A]TACAACCTTGAAATAGTTGATTGCTTTCTTTTTGGTTGAGAAGGAGAGTTTGCCACCAGG-3'

ClinVar aggregate classification (germline): Uncertain significance (1 of 4 stars; one submission).

Conditions:
Neurofibromatosis, type 1 (NF1). Also called: Peripheral type neurofibromatosis; VON RECKLINGHAUSEN DISEASE; Neurofibromatosis, type I; NEUROFIBROMATOSIS, TYPE I, SOMATIC. Identifiers: Orphanet 636, MedGen C0027831, MONDO:0018975, OMIM 162200. Disease mechanism: loss of function.

Submission:

Labcorp Genetics (formerly Invitae), Labcorp
Classification: Uncertain significance for Neurofibromatosis, type 1. Last evaluated: 2025-07-07. Review status: criteria provided, single submitter. Criteria: Invitae Variant Classification Sherloc (09022015). Collection method: clinical testing. Allele origin: germline.
Comment: This sequence change falls in intron 34 of the NF1 gene. It does not directly change the encoded amino acid sequence of the NF1 protein. It affects a nucleotide within the consensus splice site. This variant is not present in population databases (gnomAD no frequency). This variant has not been reported in the literature in individuals affected with NF1-related conditions. ClinVar contains an entry for this variant (Variation ID: 844384). Variants that disrupt the consensus splice site are a relatively common cause of aberrant splicing (PMID: 17576681, 9536098). Algorithms developed to predict the effect of sequence changes on RNA splicing suggest that this variant may disrupt the consensus splice site. In summary, the available evidence is currently insufficient to determine the role of this variant in disease. Therefore, it has been classified as a Variant of Uncertain Significance.

Literature cited by the submitters: PubMed 17576681; PubMed 9536098.